The following is an entry in ClinVar:

NM_001083116.3(PRF1):c.985dup (p.Val329fs)

Gene: PRF1 (perforin 1; minus strand). Cytogenetic location: 10q22.1.
Variant type: Duplication.
Coding change: c.985dup on transcript NM_001083116.3 (MANE Select); coding-DNA position 985, one base duplicated (G; older notation c.985dupG).
Protein change: p.Val329fs; shifts the reading frame from valine 329.
Molecular consequence: frameshift variant.
Genome position (GRCh38, 1-based): chr10:70,598,736, C duplicated on the plus strand (G on the coding strand, the reverse complement: PRF1 is on the minus strand); the first of 3 consecutive C bases (chr10:70,598,736-70,598,738); duplicating any one gives the same sequence. VCF-style (leftmost placement, unchanged base first): chr10-70598735-A-AC. GRCh37 (hg19) VCF-style: chr10-72358491-A-AC.
Other names: c.985dupG (NM_001083116.1); c.985dup, p.Val329fs (NM_005041.6); c.985dup (NM_001083116.1); short protein forms V329fs.
Identifiers: ClinVar variation 974965 (VCV000974965.2), dbSNP rs1848171715, ClinGen allele CA1139661470.
Genomic context (GRCh38, chr10:70,598,735, plus strand): 5'-AGCACGTGCAGGGGTTCCAGGGTGTAGTCCACCAGGCCAGGGCTGCCGGGCAGCGAGTTT[A>AC]CCCAGGCTGAGTACTGCTCGGGCCCGGCCTGGATCCCGAACAGCAGGTCGTTAATGGAGG-3'

ClinVar aggregate classification (germline): Likely pathogenic. Review status: criteria provided, multiple submitters, no conflicts (2 of 4 stars). 2 submissions from 2 submitters: Likely pathogenic (2). Last evaluated 2025-02-06.

Conditions:
Familial hemophagocytic lymphohistiocytosis (FHL). Also called: Hereditary hemophagocytic lymphohistiocytosis; Familial erythrophagocytic lymphohistiocytosis; Familial histiocytic reticulosis. Identifiers: Orphanet 158038, Orphanet 540, MedGen C0272199, MONDO:0015541.

Submissions (2):

GeneDx
Classification: Likely pathogenic. Last evaluated: 2025-02-06. Review status: criteria provided, single submitter. Criteria: GeneDx Variant Classification Process June 2021. Collection method: clinical testing. Allele origin: germline. Affected: yes.
Comment: Frameshift variant predicted to result in abnormal protein length as the last 227 amino acid(s) are replaced with 128 different amino acid(s), and other similar variants have been reported in HGMD; Not observed at significant frequency in large population cohorts (gnomAD); This variant is associated with the following publications: (PMID: 32542393)

Women's Health and Genetics/Laboratory Corporation of America, LabCorp
Classification: Likely pathogenic for Familial hemophagocytic lymphohistiocytosis. Last evaluated: 2020-07-09. Review status: criteria provided, single submitter. Criteria: LabCorp Variant Classification Summary - May 2015. Collection method: clinical testing. Allele origin: germline.
Comment: Variant summary: PRF1 c.985dupG (p.Val329GlyfsX129) results in a premature termination codon, predicted to cause a truncation of the encoded protein or absence of the protein due to nonsense mediated decay, which are commonly known mechanisms for disease. Truncations downstream of this position have been classified as pathogenic in ClinVar and are reported as disease-associated in HGMD (e.g. c.1385C>A, p.Ser462*; c.1428delG, p.Leu478*; c.1451delA, p.Asp484Valfs*25). The variant was absent in 251254 control chromosomes (gnomAD). To our knowledge, no occurrence of c.985dupG in individuals affected with Familial Hemophagocytic Lymphohistiocytosis and no experimental evidence demonstrating its impact on protein function have been reported. No clinical diagnostic laboratories have submitted clinical-significance assessments for this variant to ClinVar after 2014. Based on the evidence outlined above, the variant was classified as likely pathogenic.